The following is an entry in ClinVar:

ClinVar aggregate classification (germline): Uncertain significance (1 of 4 stars; one submission).

Allele frequency attached by ClinVar (database versions not stated): ExAC 0.00002; gnomAD 0.00002 and 0.00003; gnomAD exomes 0.00002 and 0.00004; TOPMed 0.00003; ESP Exome Variant Server 0.00008.
gnomAD v4.1: 59 of 1,614,130 alleles (0.0037%); highest among the groups gnomAD compares: South Asian, 0.012%; no homozygotes.

Submission:

Labcorp Genetics (formerly Invitae), Labcorp
Classification: Uncertain significance. Last evaluated: 2025-08-08. Review status: criteria provided, single submitter. Criteria: Invitae Variant Classification Sherloc (09022015). Collection method: clinical testing. Allele origin: germline.
Comment: This sequence change replaces arginine, which is basic and polar, with glutamine, which is neutral and polar, at codon 1267 of the DUOX2 protein (p.Arg1267Gln). This variant is present in population databases (rs201030966, gnomAD 0.01%). This missense change has been observed in individual(s) with congenital hypothyroidism (PMID: 34780050). ClinVar contains an entry for this variant (Variation ID: 1522379). Invitae Evidence Modeling of protein sequence and biophysical properties (such as structural, functional, and spatial information, amino acid conservation, physicochemical variation, residue mobility, and thermodynamic stability) indicates that this missense variant is expected to disrupt DUOX2 protein function with a positive predictive value of 80%. In summary, the available evidence is currently insufficient to determine the role of this variant in disease. Therefore, it has been classified as a Variant of Uncertain Significance.

Literature cited by the submitters: PubMed 34780050.

NM_001363711.2(DUOX2):c.3800G>A (p.Arg1267Gln)

Gene: DUOX2 (dual oxidase 2; minus strand). Cytogenetic location: 15q21.1.
Variant type: single nucleotide variant.
Coding change: c.3800G>A on transcript NM_001363711.2 (MANE Select); coding-DNA position 3800, G replaced by A.
Protein change: p.Arg1267Gln; replaces arginine 1267 with glutamine.
Molecular consequence: missense variant.
Genome position (GRCh38, 1-based): chr15:45,097,285, C>T on the plus strand (G>A on the coding strand, the complement: DUOX2 is on the minus strand). VCF-style: chr15-45097285-C-T. GRCh37 (hg19) VCF-style: chr15-45389483-C-T.
Other names: c.3800G>A, p.Arg1267Gln (NM_014080.5); short protein forms R1267Q.
Identifiers: ClinVar variation 1522379 (VCV001522379.5), dbSNP rs201030966, ClinGen allele CA7537728.